The following is an entry in ClinVar:

NM_015374.3(SUN2):c.1663+5G>A

Genes: GTPBP1 (GTP binding protein 1; plus strand), SUN2 (Sad1 and UNC84 domain containing 2; minus strand). Cytogenetic location: 22q13.1.
Variant type: single nucleotide variant.
Coding change: c.1663+5G>A on transcript NM_015374.3 (MANE Select); 5 bases into the intron after coding-DNA position 1663, G replaced by A.
Molecular consequence: intron variant.
Genome position (GRCh38, 1-based): chr22:38,739,337, C>T on the plus strand (G>A on the coding strand, the complement: SUN2 is on the minus strand). VCF-style: chr22-38739337-C-T. GRCh37 (hg19) VCF-style: chr22-39135342-C-T.
Other names: c.1171+5G>A (NM_001394443.1); c.1573+5G>A (NM_001394438.1); c.1525+5G>A (NM_001394439.1, NM_001394441.1, NM_001394440.1); c.1087+5G>A (NM_001394444.1, NM_001394445.1); c.1264+5G>A (NM_001394442.1); c.1660+5G>A (NM_001394437.1, NM_001394436.1); c.1756+5G>A (NM_001394427.1); c.1726+5G>A (NM_001199579.2, NM_001394428.1); and 2 more.
Identifiers: ClinVar variation 3009617 (VCV003009617.3), dbSNP rs373767572, ClinGen allele CA2404964683.
Genomic context (GRCh38, chr22:38,739,337, plus strand): 5'-GATGCCAGGGGACCGGCCATTGCGGGGTCCAGGACAAGGCAGAGCGAGGAAAGCAGAGCA[C>T]GTACCTCCTGACTCCAGGGCGTAGTCTGCCAGCCCGATGCGGTCCTCACTGTAGCGCTGC-3'

ClinVar aggregate classification (germline): Uncertain significance (1 of 4 stars; one submission).

Conditions:
Emery-Dreifuss muscular dystrophy (EDMD). Also called: Scapuloperoneal syndrome, X-linked (formerly); Humeroperoneal neuromuscular disease, (formerly). Identifiers: Orphanet 261, MedGen C0410189, MONDO:0016830.

Allele frequency attached by ClinVar (database versions not stated): TOPMed 0.00001.
gnomAD v4.1: 11 of 1,612,906 alleles (0.00068%); highest among the groups gnomAD compares: East Asian, 0.0067%; no homozygotes.

Submission:

Labcorp Genetics (formerly Invitae), Labcorp
Classification: Uncertain significance for Emery-Dreifuss muscular dystrophy. Last evaluated: 2023-08-04. Review status: criteria provided, single submitter. Criteria: Invitae Variant Classification Sherloc (09022015). Collection method: clinical testing. Allele origin: germline.
Comment: This sequence change falls in intron 14 of the SUN2 gene. It does not directly change the encoded amino acid sequence of the SUN2 protein. It affects a nucleotide within the consensus splice site. This variant is not present in population databases (gnomAD no frequency). This variant has not been reported in the literature in individuals affected with SUN2-related conditions. Variants that disrupt the consensus splice site are a relatively common cause of aberrant splicing (PMID: 17576681, 9536098). Algorithms developed to predict the effect of sequence changes on RNA splicing suggest that this variant may create or strengthen a splice site. In summary, the available evidence is currently insufficient to determine the role of this variant in disease. Therefore, it has been classified as a Variant of Uncertain Significance.

Literature cited by the submitters: PubMed 17576681; PubMed 9536098.